The following is an entry in ClinVar:

NM_001369.3(DNAH5):c.2480G>A (p.Arg827His)

Genes: DNAH5-AS1 (DNAH5 antisense RNA 1; plus strand), DNAH5 (dynein axonemal heavy chain 5; minus strand). Cytogenetic location: 5p15.2.
Variant type: single nucleotide variant.
Coding change: c.2480G>A on transcript NM_001369.3 (MANE Select); coding-DNA position 2480, G replaced by A.
Protein change: p.Arg827His; replaces arginine 827 with histidine.
Molecular consequence: missense variant.
Genome position (GRCh38, 1-based): chr5:13,891,073, C>T on the plus strand (G>A on the coding strand, the complement: DNAH5 is on the minus strand). VCF-style: chr5-13891073-C-T. GRCh37 (hg19) VCF-style: chr5-13891182-C-T.
Other names: short protein forms R827H.
Identifiers: ClinVar variation 1791915 (VCV001791915.9), dbSNP rs141969815, ClinGen allele CA3204571.

ClinVar aggregate classification (germline): Conflicting classifications of pathogenicity. Review status: criteria provided, conflicting classifications (1 of 4 stars). 3 submissions from 3 submitters: Uncertain significance (2); Benign (1). Last evaluated 2025-10-26.

Conditions:
Primary ciliary dyskinesia. Also called: Ciliary dyskinesia. Identifiers: Orphanet 244, MedGen C0008780, MONDO:0016575, HP:0012265.

Allele frequency attached by ClinVar (database versions not stated): TOPMed 0.00001; gnomAD 0.00004; 1000 Genomes Project 30x 0.00031; 1000 Genomes Project 0.00040.
gnomAD v4.1: 52 of 1,614,006 alleles (0.0032%); highest among the groups gnomAD compares: Middle Eastern, 0.066%; 1 homozygote.

Submissions (3):

Labcorp Genetics (formerly Invitae), Labcorp
Classification: Benign for Primary ciliary dyskinesia. Last evaluated: 2025-10-26. Review status: criteria provided, single submitter. Criteria: Invitae Variant Classification Sherloc (09022015). Collection method: clinical testing. Allele origin: germline.

Ambry Genetics
Classification: Uncertain significance for Primary ciliary dyskinesia. Last evaluated: 2024-12-02. Review status: criteria provided, single submitter. Criteria: Ambry Variant Classification Scheme 2023. Collection method: clinical testing. Allele origin: germline.

GeneDx
Classification: Uncertain significance. Last evaluated: 2024-11-03. Review status: criteria provided, single submitter. Criteria: GeneDx Variant Classification Process June 2021. Collection method: clinical testing. Allele origin: germline. Affected: yes.
Comment: In silico analysis supports that this missense variant has a deleterious effect on protein structure/function; Has not been previously published as pathogenic or benign to our knowledge